The following is an entry in ClinVar:

NM_153209.4(KIF19):c.2550G>A (p.Thr850=)

Gene: KIF19 (kinesin family member 19; plus strand). Cytogenetic location: 17q25.1.
Variant type: single nucleotide variant.
Coding change: c.2550G>A on transcript NM_153209.4 (MANE Select); coding-DNA position 2550, G replaced by A.
Protein change: p.Thr850=; no amino-acid change (threonine 850 retained).
Molecular consequence: synonymous variant.
Genome position (GRCh38, 1-based): chr17:74,354,403, G>A. VCF-style: chr17-74354403-G-A. GRCh37 (hg19) VCF-style: chr17-72350542-G-A.
Identifiers: ClinVar variation 4872979 (VCV004872979.2).

ClinVar aggregate classification (germline): Likely benign (1 of 4 stars; one submission).

gnomAD v4.1: 16 of 1,611,006 alleles (0.00099%); highest among the groups gnomAD compares: Middle Eastern, 0.017%; no homozygotes.

Submission:

CeGaT Center for Human Genetics Tuebingen
Classification: Likely benign. Last evaluated: 2026-05-01. Review status: criteria provided, single submitter. Criteria: CeGaT Center For Human Genetics Tuebingen Variant Classification Criteria Version 2. Collection method: clinical testing. Allele origin: germline. Affected: yes. Observed: 1 variant allele.
Comment: KIF19: BP4, BP7